The following is an entry in ClinVar:

ClinVar aggregate classification (germline): Uncertain significance (1 of 4 stars; one submission).

Conditions:
Familial episodic pain syndrome with predominantly lower limb involvement. Also called: Episodic pain syndrome, familial, 3. Identifiers: Orphanet 391384, Orphanet 391392, MedGen C3809899, MONDO:0014247, OMIM 615552.
Hereditary sensory and autonomic neuropathy type 7. Also called: HSAN VII; Neuropathy, hereditary sensory and autonomic, type VII. Identifiers: Orphanet 391397, MedGen C3809882, MONDO:0014244, OMIM 615548.

Allele frequency attached by ClinVar (database versions not stated): gnomAD exomes below 0.00001.
gnomAD v4.1: 3 of 1,613,322 alleles (0.00019%); highest among the groups gnomAD compares: East Asian, 0.0022%; no homozygotes.

Submission:

Labcorp Genetics (formerly Invitae), Labcorp
Classification: Uncertain significance for Familial episodic pain syndrome with predominantly lower limb involvement; Hereditary sensory and autonomic neuropathy type 7. Last evaluated: 2023-03-03. Review status: criteria provided, single submitter. Criteria: Invitae Variant Classification Sherloc (09022015). Collection method: clinical testing. Allele origin: germline.
Comment: In summary, the available evidence is currently insufficient to determine the role of this variant in disease. Therefore, it has been classified as a Variant of Uncertain Significance. An algorithm developed to predict the effect of missense changes on protein structure and function (PolyPhen-2) suggests that this variant is likely to be disruptive. This variant has not been reported in the literature in individuals affected with SCN11A-related conditions. This variant is not present in population databases (gnomAD no frequency). This sequence change replaces aspartic acid, which is acidic and polar, with glycine, which is neutral and non-polar, at codon 2 of the SCN11A protein (p.Asp2Gly).

NM_001349253.2(SCN11A):c.5A>G (p.Asp2Gly)

Gene: SCN11A (sodium voltage-gated channel alpha subunit 11; minus strand). Cytogenetic location: 3p22.2.
Variant type: single nucleotide variant.
Coding change: c.5A>G on transcript NM_001349253.2 (MANE Select); coding-DNA position 5, A replaced by G.
Protein change: p.Asp2Gly; replaces aspartic acid 2 with glycine.
Molecular consequence: missense variant.
Genome position (GRCh38, 1-based): chr3:38,950,358, T>C on the plus strand (A>G on the coding strand, the complement: SCN11A is on the minus strand). VCF-style: chr3-38950358-T-C. GRCh37 (hg19) VCF-style: chr3-38991849-T-C.
Other names: c.5A>G, p.Asp2Gly (NM_014139.3); short protein forms D2G.
Identifiers: ClinVar variation 2936257 (VCV002936257.3), dbSNP rs2470709300, ClinGen allele CA352177009.